The following is an entry in ClinVar:

NM_001384732.1(CPLANE1):c.829C>T (p.Pro277Ser)

Gene: CPLANE1 (ciliogenesis and planar polarity effector complex subunit 1; minus strand). Cytogenetic location: 5p13.2.
Variant type: single nucleotide variant.
Coding change: c.829C>T on transcript NM_001384732.1 (MANE Select); coding-DNA position 829, C replaced by T.
Protein change: p.Pro277Ser; replaces proline 277 with serine.
Molecular consequence: missense variant.
Genome position (GRCh38, 1-based): chr5:37,239,718, G>A on the plus strand (C>T on the coding strand, the complement: CPLANE1 is on the minus strand). VCF-style: chr5-37239718-G-A. GRCh37 (hg19) VCF-style: chr5-37239820-G-A.
Other names: c.829C>T, p.Pro277Ser (NM_023073.4); short protein forms P277S.
Identifiers: ClinVar variation 2001118 (VCV002001118.4), dbSNP rs2548843169, ClinGen allele CA359515481.

ClinVar aggregate classification (germline): Uncertain significance (1 of 4 stars; one submission).

Submission:

Labcorp Genetics (formerly Invitae), Labcorp
Classification: Uncertain significance. Last evaluated: 2022-05-30. Review status: criteria provided, single submitter. Criteria: Invitae Variant Classification Sherloc (09022015). Collection method: clinical testing. Allele origin: germline.
Comment: This sequence change replaces proline, which is neutral and non-polar, with serine, which is neutral and polar, at codon 277 of the CPLANE1 protein (p.Pro277Ser). This variant is not present in population databases (gnomAD no frequency). This variant has not been reported in the literature in individuals affected with CPLANE1-related conditions. Advanced modeling of protein sequence and biophysical properties (such as structural, functional, and spatial information, amino acid conservation, physicochemical variation, residue mobility, and thermodynamic stability) performed at Invitae indicates that this missense variant is expected to disrupt CPLANE1 protein function. In summary, the available evidence is currently insufficient to determine the role of this variant in disease. Therefore, it has been classified as a Variant of Uncertain Significance.